The following is an entry in ClinVar:

ClinVar aggregate classification (germline): Uncertain significance (1 of 4 stars; one submission).

Conditions:
Fabry disease. Also called: CERAMIDE TRIHEXOSIDASE DEFICIENCY; GLA DEFICIENCY; HEREDITARY DYSTOPIC LIPIDOSIS; Fabry's disease; ALPHA-GALACTOSIDASE A DEFICIENCY; ANDERSON-FABRY DISEASE. Identifiers: Orphanet 324, MedGen C0002986, MONDO:0010526, OMIM 301500, HP:0001071. Disease mechanism: Fabry disease is due to inactivating mutations in the X-linked GLA gene resulting in deficiency of the enzyme Alpha Galactosidase-A., loss of function.

Submission:

Labcorp Genetics (formerly Invitae), Labcorp
Classification: Uncertain significance for Fabry disease. Last evaluated: 2021-10-01. Review status: criteria provided, single submitter. Criteria: Invitae Variant Classification Sherloc (09022015). Collection method: clinical testing. Allele origin: germline.
Comment: In summary, the available evidence is currently insufficient to determine the role of this variant in disease. Therefore, it has been classified as a Variant of Uncertain Significance. Algorithms developed to predict the effect of missense changes on protein structure and function output the following: SIFT: "Tolerated"; PolyPhen-2: "Benign"; Align-GVGD: "Class C0". The arginine amino acid residue is found in multiple mammalian species, which suggests that this missense change does not adversely affect protein function. This variant has not been reported in the literature in individuals affected with GLA-related conditions. This variant is not present in population databases (ExAC no frequency). This sequence change replaces histidine with arginine at codon 115 of the GLA protein (p.His115Arg). The histidine residue is weakly conserved and there is a small physicochemical difference between histidine and arginine.

NM_000169.3(GLA):c.344A>G (p.His115Arg)

Genes: RPL36A-HNRNPH2 (RPL36A-HNRNPH2 readthrough; plus strand), GLA (galactosidase alpha; minus strand). Cytogenetic location: Xq22.1.
Variant type: single nucleotide variant.
Coding change: c.344A>G on transcript NM_000169.3 (MANE Select); coding-DNA position 344, A replaced by G.
Protein change: p.His115Arg; replaces histidine 115 with arginine.
Molecular consequence: missense variant. On other transcripts: non-coding transcript variant (3), intron variant (2).
Genome position (GRCh38, 1-based): chrX:101,403,836, T>C on the plus strand (A>G on the coding strand, the complement: GLA is on the minus strand). VCF-style: chrX-101403836-T-C. GRCh37 (hg19) VCF-style: chrX-100658824-T-C.
Other names: c.467A>G, p.His156Arg (NM_001406747.1, NM_001406749.1); c.344A>G, p.His115Arg (NM_001406748.1); c.301-8100T>C (NM_001199973.2); c.178-8100T>C (NM_001199974.2); short protein forms H115R, H156R.
Identifiers: ClinVar variation 1480984 (VCV001480984.6), dbSNP rs1928402204, ClinGen allele CA413932975.